The following is an entry in ClinVar:

ClinVar aggregate classification (germline): Likely benign. Review status: criteria provided, single submitter (1 of 4 stars). 2 submissions from 2 submitters: Likely benign (1). 1 of the submissions does not count toward it. Last evaluated 2025-08-30.

Conditions:
TP53I3-related disorder. Also called: TP53I3-related condition.

Allele frequency attached by ClinVar (database versions not stated): 1000 Genomes Project 0.00020; ESP Exome Variant Server 0.00115; ExAC 0.00035; 1000 Genomes Project 30x 0.00016.
gnomAD v4.1: 300 of 1,613,822 alleles (0.019%); highest among the groups gnomAD compares: African/African-American, 0.36%; no homozygotes.

Submissions (2):

Ambry Genetics
Classification: Likely benign. Last evaluated: 2025-08-30. Review status: criteria provided, single submitter. Criteria: Ambry Variant Classification Scheme 2023. Collection method: clinical testing. Allele origin: germline.

PreventionGenetics, part of Exact Sciences
Classification: Likely benign for TP53I3-related condition. Last evaluated: 2022-10-26. Review status: no assertion criteria provided. Collection method: clinical testing. Allele origin: germline. Not counted in ClinVar's aggregate classification.
Comment: This variant is classified as likely benign based on ACMG/AMP sequence variant interpretation guidelines (Richards et al. 2015 PMID: 25741868, with internal and published modifications).

NM_004881.5(TP53I3):c.813T>G (p.Asn271Lys)

Genes: TP53I3 (tumor protein p53 inducible protein 3; minus strand), FAM228B (family with sequence similarity 228 member B; plus strand). Cytogenetic location: 2p23.3.
Variant type: single nucleotide variant.
Coding change: c.813T>G on transcript NM_004881.5 (MANE Select); coding-DNA position 813, T replaced by G.
Protein change: p.Asn271Lys; replaces asparagine 271 with lysine.
Molecular consequence: missense variant. On other transcripts: intron variant (2).
Genome position (GRCh38, 1-based): chr2:24,079,447, A>C on the plus strand (T>G on the coding strand, the complement: TP53I3 is on the minus strand). VCF-style: chr2-24079447-A-C. GRCh37 (hg19) VCF-style: chr2-24302317-A-C.
Other names: c.813T>G, p.Asn271Lys (NM_147184.4); c.-289-1429A>C (NM_001291328.2); c.619+1372T>G (NM_001206802.2); short protein forms N271K.
Identifiers: ClinVar variation 3039519 (VCV003039519.3), dbSNP rs140931460, ClinGen allele CA1549543.
Genomic context (GRCh38, chr2:24,079,447, plus strand): 5'-AAATGAACCACACTTTTCTGGGTTAAATCACATGTTTTCTTTTCATTCATCACTCACCTT[A>C]TTGTCCCTAGACCTCAGCAAACTGGTGATCAGACTTCCTCGCTTAAAAAGTAGCTTTGAA-3'
Protein context (NP_004872.2, residues 261-281): LITSLLRSRD[Asn271Lys]KYKQMLVNAF